The following is an entry in ClinVar:

ClinVar aggregate classification (germline): Uncertain significance. Review status: criteria provided, multiple submitters, no conflicts (2 of 4 stars). 2 submissions from 2 submitters: Uncertain significance (2). Last evaluated 2024-02-13.

Conditions:
Charcot-Marie-Tooth disease axonal type 2F (CMT2F). Also called: Charcot-Marie-Tooth Neuropathy Type 2F; CHARCOT-MARIE-TOOTH DISEASE, NEURONAL, TYPE 2F. Identifiers: Orphanet 99940, MedGen C1847823, MONDO:0011687, OMIM 606595.

Allele frequency attached by ClinVar (database versions not stated): gnomAD 0.00001.

Submissions (2):

Greenwood Genetic Center Diagnostic Laboratories, Greenwood Genetic Center
Classification: Uncertain significance. Last evaluated: 2024-02-13. Review status: criteria provided, single submitter. Criteria: ACMG Guidelines, 2015. Collection method: clinical testing. Allele origin: germline. Affected: yes.
Comment: PM2

Labcorp Genetics (formerly Invitae), Labcorp
Classification: Uncertain significance for Charcot-Marie-Tooth disease axonal type 2F. Last evaluated: 2023-09-08. Review status: criteria provided, single submitter. Criteria: Invitae Variant Classification Sherloc (09022015). Collection method: clinical testing. Allele origin: germline.
Comment: This sequence change replaces proline, which is neutral and non-polar, with arginine, which is basic and polar, at codon 60 of the HSPB1 protein (p.Pro60Arg). In summary, the available evidence is currently insufficient to determine the role of this variant in disease. Therefore, it has been classified as a Variant of Uncertain Significance. Advanced modeling of protein sequence and biophysical properties (such as structural, functional, and spatial information, amino acid conservation, physicochemical variation, residue mobility, and thermodynamic stability) has been performed at Invitae for this missense variant, however the output from this modeling did not meet the statistical confidence thresholds required to predict the impact of this variant on HSPB1 protein function. ClinVar contains an entry for this variant (Variation ID: 1373045). This variant has not been reported in the literature in individuals affected with HSPB1-related conditions. This variant is not present in population databases (gnomAD no frequency).

NM_001540.5(HSPB1):c.179C>G (p.Pro60Arg)

Gene: HSPB1 (heat shock protein family B (small) member 1; plus strand). Cytogenetic location: 7q11.23.
Variant type: single nucleotide variant.
Coding change: c.179C>G on transcript NM_001540.5 (MANE Select); coding-DNA position 179, C replaced by G.
Protein change: p.Pro60Arg; replaces proline 60 with arginine.
Molecular consequence: missense variant.
Genome position (GRCh38, 1-based): chr7:76,302,891, C>G. VCF-style: chr7-76302891-C-G. GRCh37 (hg19) VCF-style: chr7-75932208-C-G.
Other names: short protein forms P60R.
Identifiers: ClinVar variation 1373045 (VCV001373045.7), dbSNP rs112075084, ClinGen allele CA160899270.